The following is an entry in ClinVar:

NM_017777.4(MKS1):c.841C>T (p.Arg281Trp)

Gene: MKS1 (MKS transition zone complex subunit 1; minus strand). Cytogenetic location: 17q22.
Variant type: single nucleotide variant.
Coding change: c.841C>T on transcript NM_017777.4 (MANE Select); coding-DNA position 841, C replaced by T.
Protein change: p.Arg281Trp; replaces arginine 281 with tryptophan.
Molecular consequence: missense variant.
Genome position (GRCh38, 1-based): chr17:58,212,999, G>A on the plus strand (C>T on the coding strand, the complement: MKS1 is on the minus strand). VCF-style: chr17-58212999-G-A. GRCh37 (hg19) VCF-style: chr17-56290360-G-A.
Other names: c.232C>T, p.Arg78Trp (NM_001321268.2); c.841C>T, p.Arg281Trp (NM_001321269.2, NM_001330397.2); c.841C>T (NM_017777.3); short protein forms R281W, R78W.
Identifiers: ClinVar variation 1499700 (VCV001499700.6), dbSNP rs780007842, ClinGen allele CA8669394.

ClinVar aggregate classification (germline): Uncertain significance. Review status: criteria provided, multiple submitters, no conflicts (2 of 4 stars). 2 submissions from 2 submitters: Uncertain significance (2). Last evaluated 2025-07-02.

Conditions:
Inborn genetic diseases. Identifiers: MedGen C0950123, MeSH D030342.
Meckel-Gruber syndrome. Also called: DYSENCEPHALIA SPLANCHNOCYSTICA; GRUBER SYNDROME; Dysencephalia splachnocystica. Identifiers: Orphanet 564, MedGen C0265215, MONDO:0018921.
Joubert syndrome. Also called: CEREBELLOPARENCHYMAL DISORDER IV; JOUBERT-BOLTSHAUSER SYNDROME; Familial aplasia of the vermis. Identifiers: Orphanet 475, MedGen C5979921, MONDO:0018772.

Allele frequency attached by ClinVar (database versions not stated): gnomAD 0.00002; gnomAD exomes below 0.00001; ExAC 0.00001.
gnomAD v4.1: 9 of 1,613,922 alleles (0.00056%); highest among the groups gnomAD compares: South Asian, 0.0022%; 1 homozygote.

Submissions (2):

Ambry Genetics
Classification: Uncertain significance for Inborn genetic diseases. Last evaluated: 2025-07-02. Review status: criteria provided, single submitter. Criteria: Ambry Variant Classification Scheme 2023. Collection method: clinical testing. Allele origin: germline.

Labcorp Genetics (formerly Invitae), Labcorp
Classification: Uncertain significance for Joubert syndrome; Meckel-Gruber syndrome. Last evaluated: 2021-08-31. Review status: criteria provided, single submitter. Criteria: Invitae Variant Classification Sherloc (09022015). Collection method: clinical testing. Allele origin: germline.
Comment: This sequence change replaces arginine with tryptophan at codon 281 of the MKS1 protein (p.Arg281Trp). The arginine residue is weakly conserved and there is a moderate physicochemical difference between arginine and tryptophan. This variant is present in population databases (rs780007842, ExAC 0.001%). This variant has not been reported in the literature in individuals affected with MKS1-related conditions. Algorithms developed to predict the effect of missense changes on protein structure and function are either unavailable or do not agree on the potential impact of this missense change (SIFT: "Deleterious"; PolyPhen-2: "Benign"; Align-GVGD: "Class C25"). In summary, the available evidence is currently insufficient to determine the role of this variant in disease. Therefore, it has been classified as a Variant of Uncertain Significance.